The following is an entry in ClinVar:

ClinVar aggregate classification (germline): Likely benign (1 of 4 stars; one submission).

Allele frequency attached by ClinVar (database versions not stated): gnomAD exomes 0.00002; ExAC 0.00003; gnomAD 0.00003; TOPMed 0.00003.
gnomAD v4.1: 32 of 1,613,588 alleles (0.002%); highest among the groups gnomAD compares: South Asian, 0.025%; no homozygotes.

Submission:

CeGaT Center for Human Genetics Tuebingen
Classification: Likely benign. Last evaluated: 2023-07-01. Review status: criteria provided, single submitter. Criteria: CeGaT Center For Human Genetics Tuebingen Variant Classification Criteria Version 2. Collection method: clinical testing. Allele origin: germline. Affected: yes. Observed: 2 variant alleles.
Comment: SYNE2: BP4

NM_182914.3(SYNE2):c.6296C>A (p.Thr2099Asn)

Gene: SYNE2 (spectrin repeat containing nuclear envelope protein 2; plus strand). Cytogenetic location: 14q23.2.
Variant type: single nucleotide variant.
Coding change: c.6296C>A on transcript NM_182914.3 (MANE Select); coding-DNA position 6296, C replaced by A.
Protein change: p.Thr2099Asn; replaces threonine 2099 with asparagine.
Molecular consequence: missense variant.
Genome position (GRCh38, 1-based): chr14:64,026,622, C>A. VCF-style: chr14-64026622-C-A. GRCh37 (hg19) VCF-style: chr14-64493340-C-A.
Other names: c.6296C>A, p.Thr2099Asn (NM_015180.6); short protein forms T2099N.
Identifiers: ClinVar variation 2578719 (VCV002578719.25), dbSNP rs751986503, ClinGen allele CA7220670.